The following is an entry in ClinVar:

NM_014754.3(PTDSS1):c.988A>G (p.Ile330Val)

Gene: PTDSS1 (phosphatidylserine synthase 1; plus strand). Cytogenetic location: 8q22.1.
Variant type: single nucleotide variant.
Coding change: c.988A>G on transcript NM_014754.3 (MANE Select); coding-DNA position 988, A replaced by G.
Protein change: p.Ile330Val; replaces isoleucine 330 with valine.
Molecular consequence: missense variant.
Genome position (GRCh38, 1-based): chr8:96,306,537, A>G. VCF-style: chr8-96306537-A-G. GRCh37 (hg19) VCF-style: chr8-97318765-A-G.
Other names: c.550A>G, p.Ile184Val (NM_001290225.2); short protein forms I184V, I330V.
Identifiers: ClinVar variation 4776946 (VCV004776946.1).

ClinVar aggregate classification (germline): Uncertain significance (1 of 4 stars; one submission).

gnomAD v4.1: 59 of 1,612,676 alleles (0.0037%); highest among the groups gnomAD compares: Non-Finnish European, 0.0049%; no homozygotes.

Submission:

Labcorp Genetics (formerly Invitae), Labcorp
Classification: Uncertain significance. Last evaluated: 2025-04-17. Review status: criteria provided, single submitter. Criteria: Invitae Variant Classification Sherloc (09022015). Collection method: clinical testing. Allele origin: germline.
Comment: This sequence change replaces isoleucine, which is neutral and non-polar, with valine, which is neutral and non-polar, at codon 330 of the PTDSS1 protein (p.Ile330Val). This variant is present in population databases (rs779602012, gnomAD 0.004%). This variant has not been reported in the literature in individuals affected with PTDSS1-related conditions. Invitae Evidence Modeling of protein sequence and biophysical properties (such as structural, functional, and spatial information, amino acid conservation, physicochemical variation, residue mobility, and thermodynamic stability) indicates that this missense variant is not expected to disrupt PTDSS1 protein function with a negative predictive value of 80%. In summary, the available evidence is currently insufficient to determine the role of this variant in disease. Therefore, it has been classified as a Variant of Uncertain Significance.